The following is an entry in ClinVar:

NM_000051.4(ATM):c.4508A>G (p.Gln1503Arg)

Gene: ATM (ATM serine/threonine kinase; plus strand). Cytogenetic location: 11q22.3.
Variant type: single nucleotide variant.
Coding change: c.4508A>G on transcript NM_000051.4 (MANE Select); coding-DNA position 4508, A replaced by G.
Protein change: p.Gln1503Arg; replaces glutamine 1503 with arginine.
Molecular consequence: missense variant.
Genome position (GRCh38, 1-based): chr11:108,292,690, A>G. VCF-style: chr11-108292690-A-G. GRCh37 (hg19) VCF-style: chr11-108163417-A-G.
Other names: c.4508A>G, p.Gln1503Arg (NM_001351834.2); short protein forms Q1503R.
Identifiers: ClinVar variation 524372 (VCV000524372.12), dbSNP rs1555099858, ClinGen allele CA382533579.

ClinVar aggregate classification (germline): Uncertain significance. Review status: criteria provided, multiple submitters, no conflicts (2 of 4 stars). 2 submissions from 2 submitters: Uncertain significance (2). Last evaluated 2025-01-07.

Conditions:
Hereditary cancer-predisposing syndrome. Also called: Neoplastic Syndromes, Hereditary; Tumor predisposition; Hereditary Cancer Syndrome; Hereditary neoplastic syndrome. Identifiers: Orphanet 140162, MedGen C0027672, MeSH D009386, MONDO:0015356.
Ataxia-telangiectasia syndrome (AT). Also called: ATAXIA-TELANGIECTASIA, COMPLEMENTATION GROUP A; ATAXIA-TELANGIECTASIA, FRESNO VARIANT; Ataxia-telangiectasia; Ataxia-telangiectasia, complementation group D; AT, COMPLEMENTATION GROUP C; Ataxia-telangiectasia, complementation group E. Identifiers: Orphanet 100, MedGen C0004135, MONDO:0008840, OMIM 208900.

Submissions (2):

Labcorp Genetics (formerly Invitae), Labcorp
Classification: Uncertain significance for Ataxia-telangiectasia syndrome. Last evaluated: 2025-01-07. Review status: criteria provided, single submitter. Criteria: Invitae Variant Classification Sherloc (09022015). Collection method: clinical testing. Allele origin: germline.
Comment: This sequence change replaces glutamine, which is neutral and polar, with arginine, which is basic and polar, at codon 1503 of the ATM protein (p.Gln1503Arg). This variant is not present in population databases (gnomAD no frequency). This variant has not been reported in the literature in individuals affected with ATM-related conditions. ClinVar contains an entry for this variant (Variation ID: 524372). Invitae Evidence Modeling of protein sequence and biophysical properties (such as structural, functional, and spatial information, amino acid conservation, physicochemical variation, residue mobility, and thermodynamic stability) indicates that this missense variant is not expected to disrupt ATM protein function with a negative predictive value of 95%. In summary, the available evidence is currently insufficient to determine the role of this variant in disease. Therefore, it has been classified as a Variant of Uncertain Significance.

Ambry Genetics
Classification: Uncertain significance for Hereditary cancer-predisposing syndrome. Last evaluated: 2021-10-12. Review status: criteria provided, single submitter. Criteria: Ambry Variant Classification Scheme 2023. Collection method: clinical testing. Allele origin: germline.
Comment: The p.Q1503R variant (also known as c.4508A>G), located in coding exon 29 of the ATM gene, results from an A to G substitution at nucleotide position 4508. The glutamine at codon 1503 is replaced by arginine, an amino acid with highly similar properties. This amino acid position is not well conserved in available vertebrate species. In addition, this alteration is predicted to be tolerated by in silico analysis. Since supporting evidence is limited at this time, the clinical significance of this alteration remains unclear.